The following is an entry in ClinVar:

NM_001366385.1(CARD14):c.2707C>G (p.Leu903Val)

Genes: SGSH (N-sulfoglucosamine sulfohydrolase; minus strand), CARD14 (caspase recruitment domain family member 14; plus strand). Cytogenetic location: 17q25.3.
Variant type: single nucleotide variant.
Coding change: c.2707C>G on transcript NM_001366385.1 (MANE Select); coding-DNA position 2707, C replaced by G.
Protein change: p.Leu903Val; replaces leucine 903 with valine.
Molecular consequence: missense variant. On other transcripts: non-coding transcript variant (1).
Genome position (GRCh38, 1-based): chr17:80,206,985, C>G. VCF-style: chr17-80206985-C-G. GRCh37 (hg19) VCF-style: chr17-78180784-C-G.
Other names: c.2707C>G, p.Leu903Val (NM_024110.4); short protein forms L903V.
Identifiers: ClinVar variation 3750752 (VCV003750752.2).

ClinVar aggregate classification (germline): Uncertain significance (1 of 4 stars; one submission).

Conditions:
Pityriasis rubra pilaris (PRP). Also called: Pityriasis rubra pilaris--familial type. Identifiers: Orphanet 2897, MedGen C0032027, MONDO:0100017, OMIM 173200, MONDO:0008251.
Psoriasis 2. Identifiers: MedGen C1864497, MONDO:0011269, OMIM 602723.

gnomAD v4.1: 3 of 1,612,256 alleles (0.00019%); highest among the groups gnomAD compares: Non-Finnish European, 0.00025%; no homozygotes.

Submission:

Labcorp Genetics (formerly Invitae), Labcorp
Classification: Uncertain significance for Pityriasis rubra pilaris; Psoriasis 2. Last evaluated: 2024-11-29. Review status: criteria provided, single submitter. Criteria: Invitae Variant Classification Sherloc (09022015). Collection method: clinical testing. Allele origin: germline.
Comment: This sequence change replaces leucine, which is neutral and non-polar, with valine, which is neutral and non-polar, at codon 903 of the CARD14 protein (p.Leu903Val). This variant is present in population databases (rs142664965, gnomAD 0.0009%). This variant has not been reported in the literature in individuals affected with CARD14-related conditions. Invitae Evidence Modeling of protein sequence and biophysical properties (such as structural, functional, and spatial information, amino acid conservation, physicochemical variation, residue mobility, and thermodynamic stability) has been performed for this missense variant. However, the output from this modeling did not meet the statistical confidence thresholds required to predict the impact of this variant on CARD14 protein function. In summary, the available evidence is currently insufficient to determine the role of this variant in disease. Therefore, it has been classified as a Variant of Uncertain Significance.